The following is an entry in ClinVar:

NM_015541.3(LRIG1):c.2705C>T (p.Ala902Val)

Gene: LRIG1 (leucine rich repeats and immunoglobulin like domains 1; minus strand). Cytogenetic location: 3p14.1.
Variant type: single nucleotide variant.
Coding change: c.2705C>T on transcript NM_015541.3 (MANE Select); coding-DNA position 2705, C replaced by T.
Protein change: p.Ala902Val; replaces alanine 902 with valine.
Molecular consequence: missense variant.
Genome position (GRCh38, 1-based): chr3:66,381,544, G>A on the plus strand (C>T on the coding strand, the complement: LRIG1 is on the minus strand). VCF-style: chr3-66381544-G-A. GRCh37 (hg19) VCF-style: chr3-66431968-G-A.
Other names: c.2630C>T, p.Ala877Val (NM_001377344.1); c.1925C>T, p.Ala642Val (NM_001377345.1, NM_001377346.1); c.1703C>T, p.Ala568Val (NM_001377347.1); c.1676C>T, p.Ala559Val (NM_001377348.1); c.1421C>T, p.Ala474Val (NM_001377349.1); short protein forms A474V, A559V, A568V, A642V, A877V, A902V.
Identifiers: ClinVar variation 3052738 (VCV003052738.2), dbSNP rs145814348, ClinGen allele CA2484220.

ClinVar aggregate classification (germline): Benign (0 of 4 stars; one submission).

Conditions:
LRIG1-related disorder. Also called: LRIG1-related condition.

Allele frequency attached by ClinVar (database versions not stated): ESP Exome Variant Server 0.00023; gnomAD exomes 0.00062; gnomAD 0.00082; TOPMed 0.00091; ExAC 0.00147; 1000 Genomes Project 30x 0.00187; 1000 Genomes Project 0.00200.
gnomAD v4.1: 1,047 of 1,614,010 alleles (0.065%); highest among the groups gnomAD compares: East Asian, 1.6%; 8 homozygotes.

Submission:

PreventionGenetics, part of Exact Sciences
Classification: Benign for LRIG1-related condition. Last evaluated: 2019-12-16. Review status: no assertion criteria provided. Collection method: clinical testing. Allele origin: germline.
Comment: This variant is classified as benign based on ACMG/AMP sequence variant interpretation guidelines (Richards et al. 2015 PMID: 25741868, with internal and published modifications).